The following is an entry in ClinVar:

ClinVar aggregate classification (germline): Uncertain significance (1 of 4 stars; one submission).

Conditions:
Hereditary cancer-predisposing syndrome. Also called: Hereditary Cancer Syndrome; Tumor predisposition; Hereditary neoplastic syndrome; Neoplastic Syndromes, Hereditary. Identifiers: Orphanet 140162, MedGen C0027672, MeSH D009386, MONDO:0015356.

gnomAD v4.1: 1 of 1,595,598 alleles (0.000063%); highest among the groups gnomAD compares: Non-Finnish European, 0.000086%; no homozygotes.

Submission:

Ambry Genetics
Classification: Uncertain significance for Hereditary cancer-predisposing syndrome. Last evaluated: 2024-08-07. Review status: criteria provided, single submitter. Criteria: Ambry Variant Classification Scheme 2023. Collection method: clinical testing. Allele origin: germline.
Comment: The p.I184L variant (also known as c.550A>C), located in coding exon 6 of the MRE11A gene, results from an A to C substitution at nucleotide position 550. The isoleucine at codon 184 is replaced by leucine, an amino acid with highly similar properties. This amino acid position is conserved. In addition, the in silico prediction for this alteration is inconclusive. Based on the available evidence, the clinical significance of this variant remains unclear.

NM_005591.4(MRE11):c.550A>C (p.Ile184Leu)

Gene: MRE11 (MRE11 double strand break repair nuclease; minus strand). Cytogenetic location: 11q21.
Variant type: single nucleotide variant.
Coding change: c.550A>C on transcript NM_005591.4 (MANE Select); coding-DNA position 550, A replaced by C.
Protein change: p.Ile184Leu; replaces isoleucine 184 with leucine.
Molecular consequence: missense variant.
Genome position (GRCh38, 1-based): chr11:94,476,398, T>G on the plus strand (A>C on the coding strand, the complement: MRE11 is on the minus strand). VCF-style: chr11-94476398-T-G. GRCh37 (hg19) VCF-style: chr11-94209564-T-G.
Other names: c.550A>C, p.Ile184Leu (NM_001330347.2, NM_005590.4); short protein forms I184L.
Identifiers: ClinVar variation 3397846 (VCV003397846.1).